The following is an entry in ClinVar:

NM_006031.6(PCNT):c.3439G>A (p.Asp1147Asn)

Gene: PCNT (pericentrin; plus strand). Cytogenetic location: 21q22.3.
Variant type: single nucleotide variant.
Coding change: c.3439G>A on transcript NM_006031.6 (MANE Select); coding-DNA position 3439, G replaced by A.
Protein change: p.Asp1147Asn; replaces aspartic acid 1147 with asparagine.
Molecular consequence: missense variant.
Genome position (GRCh38, 1-based): chr21:46,385,958, G>A. VCF-style: chr21-46385958-G-A. GRCh37 (hg19) VCF-style: chr21-47805873-G-A.
Other names: c.3085G>A, p.Asp1029Asn (NM_001315529.2); short protein forms D1029N, D1147N.
Identifiers: ClinVar variation 3353393 (VCV003353393.1).
Genomic context (GRCh38, chr21:46,385,958, plus strand): 5'-CAGCAGAGGCGGGAGCGGGAGAACCGGGAAGGCGCAAACCTCCTCTCCATGCTCAAGGCC[G>A]ACGTCAACCTGTCCCACAGCGAAAGGTCAGTGTGTCCTCGGCACCGAGGCTGCCTTGTGG-3'
Protein context (NP_006022.3, residues 1137-1157): GANLLSMLKA[Asp1147Asn]VNLSHSERGA

ClinVar aggregate classification (germline): Uncertain significance (0 of 4 stars; one submission).

Conditions:
PCNT-related disorder. Also called: PCNT-related condition.

gnomAD v4.1: 8 of 1,614,040 alleles (0.0005%); highest among the groups gnomAD compares: South Asian, 0.0022%; no homozygotes.

Submission:

PreventionGenetics, part of Exact Sciences
Classification: Uncertain significance for PCNT-related condition. Last evaluated: 2024-02-20. Review status: no assertion criteria provided. Collection method: clinical testing. Allele origin: germline.
Comment: The PCNT c.3439G>A variant is predicted to result in the amino acid substitution p.Asp1147Asn. To our knowledge, this variant has not been reported in the literature. This variant is reported in 0.0033% of alleles in individuals of South Asian descent in gnomAD. At this time, the clinical significance of this variant is uncertain due to the absence of conclusive functional and genetic evidence.